The following is an entry in ClinVar:

NM_001365536.1(SCN9A):c.1261T>A (p.Leu421Ile)

Genes: SCN1A-AS1 (SCN1A and SCN9A antisense RNA 1; plus strand), SCN9A (sodium voltage-gated channel alpha subunit 9; minus strand). Cytogenetic location: 2q24.3.
Variant type: single nucleotide variant.
Coding change: c.1261T>A on transcript NM_001365536.1 (MANE Select); coding-DNA position 1261, T replaced by A.
Protein change: p.Leu421Ile; replaces leucine 421 with isoleucine.
Molecular consequence: missense variant.
Genome position (GRCh38, 1-based): chr2:166,288,490, A>T on the plus strand (T>A on the coding strand, the complement: SCN9A is on the minus strand). VCF-style: chr2-166288490-A-T. GRCh37 (hg19) VCF-style: chr2-167145000-A-T.
Other names: c.1261T>A, p.Leu421Ile (NM_002977.4); short protein forms L421I.
Identifiers: ClinVar variation 1469489 (VCV001469489.8), dbSNP rs1398006994, ClinGen allele CA349085759.

ClinVar aggregate classification (germline): Uncertain significance (1 of 4 stars; one submission).

Conditions:
Neuropathy, hereditary sensory and autonomic, type 2A (HSAN2A). Also called: WNK1-Related HSAN2 (HSAN2A); ACROOSTEOLYSIS, GIACCAI TYPE; ACROOSTEOLYSIS, NEUROGENIC; HSAN IIA; MORVAN DISEASE; NEUROPATHY, CONGENITAL SENSORY. Identifiers: Orphanet 970, MedGen C2752089, MONDO:0024309, OMIM 201300.
Generalized epilepsy with febrile seizures plus, type 7 (GEFSP7). Also called: GEFS+, TYPE 7. Identifiers: Orphanet 36387, MedGen C2751778, MONDO:0013470, OMIM 613863.

Allele frequency attached by ClinVar (database versions not stated): gnomAD exomes below 0.00001 and 0.00001; TOPMed below 0.00001.
gnomAD v4.1: 14 of 1,613,028 alleles (0.00087%); highest among the groups gnomAD compares: Non-Finnish European, 0.0012%; no homozygotes.

Submission:

Labcorp Genetics (formerly Invitae), Labcorp
Classification: Uncertain significance for Neuropathy, hereditary sensory and autonomic, type 2A; Generalized epilepsy with febrile seizures plus, type 7. Last evaluated: 2022-11-24. Review status: criteria provided, single submitter. Criteria: Invitae Variant Classification Sherloc (09022015). Collection method: clinical testing. Allele origin: germline.
Comment: In summary, the available evidence is currently insufficient to determine the role of this variant in disease. Therefore, it has been classified as a Variant of Uncertain Significance. Advanced modeling of protein sequence and biophysical properties (such as structural, functional, and spatial information, amino acid conservation, physicochemical variation, residue mobility, and thermodynamic stability) performed at Invitae indicates that this missense variant is not expected to disrupt SCN9A protein function. ClinVar contains an entry for this variant (Variation ID: 1469489). This variant has not been reported in the literature in individuals affected with SCN9A-related conditions. This variant is present in population databases (no rsID available, gnomAD 0.003%). This sequence change replaces leucine, which is neutral and non-polar, with isoleucine, which is neutral and non-polar, at codon 421 of the SCN9A protein (p.Leu421Ile).